The following is an entry in ClinVar:

ClinVar aggregate classification (germline): Pathogenic (1 of 4 stars; one submission).

Conditions:
Autosomal recessive polycystic kidney disease (ARPKD). Also called: AR polycystic kidney disease. Identifiers: Orphanet 731, Orphanet 8378, MedGen C0085548, MeSH D017044, MONDO:0009889.

Submission:

Labcorp Genetics (formerly Invitae), Labcorp
Classification: Pathogenic for Autosomal recessive polycystic kidney disease. Last evaluated: 2026-01-11. Review status: criteria provided, single submitter. Criteria: Invitae Variant Classification Sherloc (09022015). Collection method: clinical testing. Allele origin: germline.
Comment: This sequence change creates a premature translational stop signal (p.Glu1483*) in the PKHD1 gene. It is expected to result in an absent or disrupted protein product. Loss-of-function variants in PKHD1 are known to be pathogenic (PMID: 19940839). This variant is not present in population databases (gnomAD no frequency). This variant has not been reported in the literature in individuals affected with PKHD1-related conditions. For these reasons, this variant has been classified as Pathogenic.

Literature cited by the submitters: PubMed 19940839.

NM_138694.4(PKHD1):c.4447G>T (p.Glu1483Ter)

Gene: PKHD1 (PKHD1 ciliary IPT domain containing fibrocystin/polyductin; minus strand). Cytogenetic location: 6p12.2.
Variant type: single nucleotide variant.
Coding change: c.4447G>T on transcript NM_138694.4 (MANE Select); coding-DNA position 4447, G replaced by T.
Protein change: p.Glu1483Ter; replaces glutamic acid 1483 with a stop codon.
Molecular consequence: nonsense.
Genome position (GRCh38, 1-based): chr6:52,025,363, C>A on the plus strand (G>T on the coding strand, the complement: PKHD1 is on the minus strand). VCF-style: chr6-52025363-C-A. GRCh37 (hg19) VCF-style: chr6-51890161-C-A.
Other names: c.4447G>T, p.Glu1483Ter (NM_170724.3); short protein forms E1483*.
Identifiers: ClinVar variation 4735072 (VCV004735072.1).